The following is an entry in ClinVar:

ClinVar aggregate classification (germline): Benign/Likely benign. Review status: criteria provided, multiple submitters, no conflicts (2 of 4 stars). 3 submissions from 3 submitters: Benign (1); Likely benign (2). Last evaluated 2025-08-26.

Allele frequency attached by ClinVar (database versions not stated): gnomAD 0.00192 and 0.00198; ESP Exome Variant Server 0.00197; gnomAD exomes 0.00294 and 0.00171; 1000 Genomes Project 30x 0.00016; 1000 Genomes Project 0.00020; ExAC 0.00147; TOPMed 0.00181.

Submissions (3):

Labcorp Genetics (formerly Invitae), Labcorp
Classification: Benign. Last evaluated: 2025-08-26. Review status: criteria provided, single submitter. Criteria: Invitae Variant Classification Sherloc (09022015). Collection method: clinical testing. Allele origin: germline.

CeGaT Center for Human Genetics Tuebingen
Classification: Likely benign. Last evaluated: 2023-04-01. Review status: criteria provided, single submitter. Criteria: CeGaT Center For Human Genetics Tuebingen Variant Classification Criteria Version 2. Collection method: clinical testing. Allele origin: germline. Affected: yes. Observed: 1 variant allele.
Comment: WDR87: BP4, BP7, BS2

GeneDx
Classification: Likely benign. Last evaluated: 2018-06-01. Review status: criteria provided, single submitter. Criteria: GeneDx Variant Classification (06012015). Collection method: clinical testing. Allele origin: germline. Affected: yes.
Comment: This variant is considered likely benign or benign based on one or more of the following criteria: it is a conservative change, it occurs at a poorly conserved position in the protein, it is predicted to be benign by multiple in silico algorithms, and/or has population frequency not consistent with disease.

NM_001291088.2(WDR87):c.1944C>T (p.His648=)

Gene: WDR87 (WD repeat domain 87; minus strand). Cytogenetic location: 19q13.13.
Variant type: single nucleotide variant.
Coding change: c.1944C>T on transcript NM_001291088.2 (MANE Select); coding-DNA position 1944, C replaced by T.
Protein change: p.His648=; no amino-acid change (histidine 648 retained).
Molecular consequence: synonymous variant.
Genome position (GRCh38, 1-based): chr19:37,893,759, G>A on the plus strand (C>T on the coding strand, the complement: WDR87 is on the minus strand). VCF-style: chr19-37893759-G-A. GRCh37 (hg19) VCF-style: chr19-38384399-G-A.
Other names: c.1827C>T, p.His609= (NM_031951.5).
Identifiers: ClinVar variation 668526 (VCV000668526.32), dbSNP rs185192747, ClinGen allele CA9408846.